The following is an entry in ClinVar:

NM_000051.4(ATM):c.8418+5G>T

Genes: ATM (ATM serine/threonine kinase; plus strand), C11orf65 (chromosome 11 open reading frame 65; minus strand). Cytogenetic location: 11q22.3.
Variant type: single nucleotide variant.
Coding change: c.8418+5G>T on transcript NM_000051.4 (MANE Select); 5 bases into the intron after coding-DNA position 8418, G replaced by T.
Molecular consequence: intron variant.
Genome position (GRCh38, 1-based): chr11:108,343,376, G>T. VCF-style: chr11-108343376-G-T. GRCh37 (hg19) VCF-style: chr11-108214103-G-T.
Other names: c.8418+5G>T (NM_001351834.2); c.641-34305C>A (NM_001330368.2); c.695-8084C>A (NM_001351110.2).
Identifiers: ClinVar variation 482524 (VCV000482524.12), dbSNP rs1305740166, ClinGen allele CA601698827.

ClinVar aggregate classification (germline): Conflicting classifications of pathogenicity. Review status: criteria provided, conflicting classifications (1 of 4 stars). 3 submissions from 3 submitters: Pathogenic (1); Uncertain significance (2). Last evaluated 2025-10-16.

Conditions:
Hereditary cancer-predisposing syndrome. Also called: Neoplastic Syndromes, Hereditary; Hereditary Cancer Syndrome; Tumor predisposition; Hereditary neoplastic syndrome. Identifiers: Orphanet 140162, MedGen C0027672, MeSH D009386, MONDO:0015356.
Ataxia-telangiectasia syndrome (AT). Also called: LOUIS-BAR SYNDROME; Cerebello-oculocutaneous telangiectasia; Immunodeficiency with ataxia telangiectasia; Ataxia-telangiectasia, complementation group D; AT, COMPLEMENTATION GROUP C; Ataxia-telangiectasia, complementation group E. Identifiers: Orphanet 100, MedGen C0004135, MONDO:0008840, OMIM 208900.

gnomAD v4.1: 1 of 1,613,722 alleles (0.000062%); highest among the groups gnomAD compares: Non-Finnish European, 0.000085%; no homozygotes.

Submissions (3):

Labcorp Genetics (formerly Invitae), Labcorp
Classification: Uncertain significance for Ataxia-telangiectasia syndrome. Last evaluated: 2025-10-16. Review status: criteria provided, single submitter. Criteria: Invitae Variant Classification Sherloc (09022015). Collection method: clinical testing. Allele origin: germline.
Comment: This sequence change falls in intron 57 of the ATM gene. It does not directly change the encoded amino acid sequence of the ATM protein. It affects a nucleotide within the consensus splice site. This variant is present in population databases (no rsID available, gnomAD 0.0009%). This variant has not been reported in the literature in individuals affected with ATM-related conditions. ClinVar contains an entry for this variant (Variation ID: 482524). Variants that disrupt the consensus splice site are a relatively common cause of aberrant splicing (PMID: 17576681, 9536098). Algorithms developed to predict the effect of sequence changes on RNA splicing suggest that this variant may disrupt the consensus splice site. This variant disrupts the c.8418+5G nucleotide in the ATM gene. Other variant(s) that disrupt this nucleotide have been determined to be pathogenic (internal data). This suggests that this nucleotide is clinically significant, and that variants that disrupt this position are likely to be disease-causing. In summary, the available evidence is currently insufficient to determine the role of this variant in disease. Therefore, it has been classified as a Variant of Uncertain Significance.

Ambry Genetics
Classification: Pathogenic for Hereditary cancer-predisposing syndrome. Last evaluated: 2021-10-28. Review status: criteria provided, single submitter. Criteria: Ambry Variant Classification Scheme 2023. Collection method: clinical testing. Allele origin: germline.
Comment: The c.8418+5G>T intronic variant results from a G to T substitution 5 nucleotides after coding exon 56 in the ATM gene. This nucleotide position is highly conserved in available vertebrate species. In silico splice site analysis predicts that this alteration will weaken the native splice donor site. RNA studies have demonstrated that this alteration results in abnormal splicing in the set of samples tested (Ambry internal data). Another alteration impacting the same donor site, c.8418+5_8418+8delGTGA, has been shown to have a similar impact on splicing and has been reported in multiple individuals with a clinical diagnosis of ataxia-telangiectasia (A-T) (Wright J et al. Am. J. Hum. Genet. 1996 Oct;59(4):839-46; Stankovic T et al. Am. J. Hum. Genet. 1998 Feb;62(2):334-45; Li A and Swift M. Am. J. Med. Genet. 2000 May;92(3):170-7; Buzin CH et al. Hum. Mutat. 2003 Feb;21(2):123-31). This variant is considered to be rare based on population cohorts in the Genome Aggregation Database (gnomAD). Based on the supporting evidence, this alteration is interpreted as a disease-causing mutation.

Sema4
Classification: Uncertain significance for Hereditary cancer-predisposing syndrome. Last evaluated: 2021-09-16. Review status: criteria provided, single submitter. Criteria: Sema4 Curation Guidelines. Collection method: curation. Allele origin: germline.
Comment: The ATM c.8418+5G>T variant has not been reported in literature to our knowledge. It was observed in 1/113422 chromosomes in the Non-Finnish European population according to the Genome Aggregation Database (PMID: 32461654). This variant has been reported in ClinVar (Variation ID 482524). In silico tools that predict the effect of sequence changes on splicing suggest that this variant may impact splicing, though these predictions have not been confirmed by functional studies The overall evidence is insufficient to meet ACMG/AMP criteria for classifying it as benign or pathogenic. In summary, the clinical significance of this variant is currently uncertain.

Literature cited by the submitters: PubMed 17576681 (cited by Labcorp Genetics (formerly Invitae), Labcorp); PubMed 9536098 (cited by Labcorp Genetics (formerly Invitae), Labcorp).